The following is an entry in ClinVar:

ClinVar aggregate classification (germline): Uncertain significance. Review status: criteria provided, multiple submitters, no conflicts (2 of 4 stars). 2 submissions from 2 submitters: Uncertain significance (2). Last evaluated 2026-01-21.

Conditions:
Fanconi anemia complementation group O. Also called: RAD51C-Related Fanconi Anemia. Identifiers: Orphanet 84, MedGen C3150653, MONDO:0013248, OMIM 613390.
Hereditary cancer-predisposing syndrome. Also called: Neoplastic Syndromes, Hereditary; Tumor predisposition; Hereditary Cancer Syndrome; Hereditary neoplastic syndrome. Identifiers: Orphanet 140162, MedGen C0027672, MeSH D009386, MONDO:0015356.

Submissions (2):

Labcorp Genetics (formerly Invitae), Labcorp
Classification: Uncertain significance for Fanconi anemia complementation group O. Last evaluated: 2026-01-21. Review status: criteria provided, single submitter. Criteria: Invitae Variant Classification Sherloc (09022015). Collection method: clinical testing. Allele origin: germline.
Comment: This sequence change replaces leucine, which is neutral and non-polar, with phenylalanine, which is neutral and non-polar, at codon 180 of the RAD51C protein (p.Leu180Phe). This variant is not present in population databases (gnomAD no frequency). This variant has not been reported in the literature in individuals affected with RAD51C-related conditions. ClinVar contains an entry for this variant (Variation ID: 1747211). An algorithm developed to predict the effect of missense changes on protein structure and function (PolyPhen-2) suggests that this variant is likely to be tolerated. In summary, the available evidence is currently insufficient to determine the role of this variant in disease. Therefore, it has been classified as a Variant of Uncertain Significance.

Ambry Genetics
Classification: Uncertain significance for Hereditary cancer-predisposing syndrome. Last evaluated: 2021-05-26. Review status: criteria provided, single submitter. Criteria: Ambry Variant Classification Scheme 2023. Collection method: clinical testing. Allele origin: germline.
Comment: The p.L180F variant (also known as c.538C>T), located in coding exon 3 of the RAD51C gene, results from a C to T substitution at nucleotide position 538. The leucine at codon 180 is replaced by phenylalanine, an amino acid with highly similar properties. This amino acid position is not well conserved in available vertebrate species. In addition, this alteration is predicted to be tolerated by in silico analysis. Since supporting evidence is limited at this time, the clinical significance of this alteration remains unclear.

NM_058216.3(RAD51C):c.538C>T (p.Leu180Phe)

Gene: RAD51C (RAD51 paralog C; plus strand). Cytogenetic location: 17q22.
Variant type: single nucleotide variant.
Coding change: c.538C>T on transcript NM_058216.3 (MANE Select); coding-DNA position 538, C replaced by T.
Protein change: p.Leu180Phe; replaces leucine 180 with phenylalanine.
Molecular consequence: missense variant.
Genome position (GRCh38, 1-based): chr17:58,696,826, C>T. VCF-style: chr17-58696826-C-T. GRCh37 (hg19) VCF-style: chr17-56774187-C-T.
Other names: short protein forms L180F.
Identifiers: ClinVar variation 1747211 (VCV001747211.3), dbSNP rs2509283253, ClinGen allele CA400345244.